The following is an entry in ClinVar:

NM_000755.5(CRAT):c.1769C>T (p.Ser590Leu)

Gene: CRAT (carnitine O-acetyltransferase; minus strand). Cytogenetic location: 9q34.11.
Variant type: single nucleotide variant.
Coding change: c.1769C>T on transcript NM_000755.5 (MANE Select); coding-DNA position 1769, C replaced by T.
Protein change: p.Ser590Leu; replaces serine 590 with leucine.
Molecular consequence: missense variant.
Genome position (GRCh38, 1-based): chr9:129,095,509, G>A on the plus strand (C>T on the coding strand, the complement: CRAT is on the minus strand). VCF-style: chr9-129095509-G-A. GRCh37 (hg19) VCF-style: chr9-131857788-G-A.
Other names: c.1706C>T, p.Ser569Leu (NM_001257363.3, NM_004003.4); c.1772C>T, p.Ser591Leu (NM_001346546.2); c.1697C>T, p.Ser566Leu (NM_001346547.2); c.1634C>T, p.Ser545Leu (NM_001346548.2); c.1649C>T, p.Ser550Leu (NM_001346549.2); short protein forms S545L, S566L, S590L, S550L, S569L, S591L.
Identifiers: ClinVar variation 2069042 (VCV002069042.6), dbSNP rs767998416, ClinGen allele CA5275253.

ClinVar aggregate classification (germline): Uncertain significance. Review status: criteria provided, multiple submitters, no conflicts (2 of 4 stars). 2 submissions from 2 submitters: Uncertain significance (2). Last evaluated 2025-09-05.

Conditions:
Neurodegeneration with brain iron accumulation 8. Identifiers: MedGen C4693587, MONDO:0054764, OMIM 617917.

Allele frequency attached by ClinVar (database versions not stated): TOPMed below 0.00001; gnomAD 0.00002.
gnomAD v4.1: 36 of 1,613,414 alleles (0.0022%); highest among the groups gnomAD compares: East Asian, 0.018%; no homozygotes.

Submissions (2):

Dasa
Classification: Uncertain significance for Neurodegeneration with brain iron accumulation 8. Last evaluated: 2025-09-05. Review status: criteria provided, single submitter. Criteria: DASA Assertion Criteria. Collection method: clinical testing. Allele origin: germline.
Comment: NM_000755.5(CRAT):c.1769C>T (p.Ser590Leu) is a missense variant that results in the substitution of serine with leucine. This variant is rare in population databases. Computational prediction algorithms are consistent with a deleterious effect. The currently available literature and clinical evidence are not sufficient to establish a definitive association between this variant and the reported condition. Therefore, this variant is classified as a variant of uncertain significance.

Labcorp Genetics (formerly Invitae), Labcorp
Classification: Uncertain significance. Last evaluated: 2024-10-14. Review status: criteria provided, single submitter. Criteria: Invitae Variant Classification Sherloc (09022015). Collection method: clinical testing. Allele origin: germline.
Comment: This sequence change replaces serine, which is neutral and polar, with leucine, which is neutral and non-polar, at codon 590 of the CRAT protein (p.Ser590Leu). This variant is present in population databases (rs767998416, gnomAD 0.006%). This variant has not been reported in the literature in individuals affected with CRAT-related conditions. ClinVar contains an entry for this variant (Variation ID: 2069042). Invitae Evidence Modeling of protein sequence and biophysical properties (such as structural, functional, and spatial information, amino acid conservation, physicochemical variation, residue mobility, and thermodynamic stability) has been performed for this missense variant. However, the output from this modeling did not meet the statistical confidence thresholds required to predict the impact of this variant on CRAT protein function. In summary, the available evidence is currently insufficient to determine the role of this variant in disease. Therefore, it has been classified as a Variant of Uncertain Significance.